The following is an entry in ClinVar:

ClinVar aggregate classification (germline): Likely benign. Review status: criteria provided, single submitter (1 of 4 stars). 2 submissions from 2 submitters: Likely benign (1). 1 of the submissions does not count toward it. Last evaluated 2025-08-04.

Conditions:
SLC38A8-related disorder. Also called: SLC38A8-related condition.

Allele frequency attached by ClinVar (database versions not stated): ESP Exome Variant Server 0.00008.
gnomAD v4.1: 271 of 1,613,950 alleles (0.017%); highest among the groups gnomAD compares: Middle Eastern, 0.16%; no homozygotes.

Submissions (2):

Labcorp Genetics (formerly Invitae), Labcorp
Classification: Likely benign. Last evaluated: 2025-08-04. Review status: criteria provided, single submitter. Criteria: Invitae Variant Classification Sherloc (09022015). Collection method: clinical testing. Allele origin: germline.

PreventionGenetics, part of Exact Sciences
Classification: Likely benign for SLC38A8-related condition. Last evaluated: 2024-09-09. Review status: no assertion criteria provided. Collection method: clinical testing. Allele origin: germline. Not counted in ClinVar's aggregate classification.
Comment: This variant is classified as likely benign based on ACMG/AMP sequence variant interpretation guidelines (Richards et al. 2015 PMID: 25741868, with internal and published modifications).

NM_001080442.3(SLC38A8):c.1249C>T (p.Leu417=)

Gene: SLC38A8 (solute carrier family 38 member 8; minus strand). Cytogenetic location: 16q23.3.
Variant type: single nucleotide variant.
Coding change: c.1249C>T on transcript NM_001080442.3 (MANE Select); coding-DNA position 1249, C replaced by T.
Protein change: p.Leu417=; no amino-acid change (leucine 417 retained).
Molecular consequence: synonymous variant.
Genome position (GRCh38, 1-based): chr16:84,009,843, G>A on the plus strand (C>T on the coding strand, the complement: SLC38A8 is on the minus strand). VCF-style: chr16-84009843-G-A. GRCh37 (hg19) VCF-style: chr16-84043448-G-A.
Other names: c.1249C>T (NM_001080442.2).
Identifiers: ClinVar variation 2708619 (VCV002708619.4), dbSNP rs148450852, ClinGen allele CA8199635.